The following is an entry in ClinVar:

ClinVar aggregate classification (germline): Uncertain significance. Review status: criteria provided, multiple submitters, no conflicts (2 of 4 stars). 3 submissions from 3 submitters: Uncertain significance (3). Last evaluated 2026-03-13.

Conditions:
Hereditary cancer-predisposing syndrome. Also called: Neoplastic Syndromes, Hereditary; Tumor predisposition; Hereditary Cancer Syndrome; Hereditary neoplastic syndrome. Identifiers: Orphanet 140162, MedGen C0027672, MeSH D009386, MONDO:0015356.
MSH6-related disorder. Also called: MSH6-related condition; MSH6-Related disorders.
Hereditary nonpolyposis colorectal neoplasms. Identifiers: MedGen C0009405, MeSH D003123.

Submissions (3):

PreventionGenetics, part of Exact Sciences
Classification: Uncertain significance for MSH6-related condition. Last evaluated: 2026-03-13. Review status: criteria provided, single submitter. Criteria: ACMG Guidelines, 2015. Collection method: clinical testing. Allele origin: germline.
Comment: The MSH6 c.199C>T variant is predicted to result in the amino acid substitution p.Pro67Ser. To our knowledge, this variant has not been reported in the literature or in a large population database (gnomAD), indicating this variant is rare. This variant is interpreted as uncertain in ClinVar (Variation ID: 579385). At this time, the clinical significance of this variant is uncertain due to the absence of conclusive functional and genetic evidence.

Ambry Genetics
Classification: Uncertain significance for Hereditary cancer-predisposing syndrome. Last evaluated: 2025-02-15. Review status: criteria provided, single submitter. Criteria: Ambry Variant Classification Scheme 2023. Collection method: clinical testing. Allele origin: germline.
Comment: The p.P67S variant (also known as c.199C>T), located in coding exon 1 of the MSH6 gene, results from a C to T substitution at nucleotide position 199. The proline at codon 67 is replaced by serine, an amino acid with similar properties. This amino acid position is conserved. In addition, this alteration is predicted to be tolerated by in silico analysis. Based on the available evidence, the clinical significance of this variant remains unclear.

Labcorp Genetics (formerly Invitae), Labcorp
Classification: Uncertain significance for Hereditary nonpolyposis colorectal neoplasms. Last evaluated: 2024-04-29. Review status: criteria provided, single submitter. Criteria: Invitae Variant Classification Sherloc (09022015). Collection method: clinical testing. Allele origin: germline.
Comment: This sequence change replaces proline, which is neutral and non-polar, with serine, which is neutral and polar, at codon 67 of the MSH6 protein (p.Pro67Ser). This variant is not present in population databases (gnomAD no frequency). This variant has not been reported in the literature in individuals affected with MSH6-related conditions. ClinVar contains an entry for this variant (Variation ID: 579385). Advanced modeling of protein sequence and biophysical properties (such as structural, functional, and spatial information, amino acid conservation, physicochemical variation, residue mobility, and thermodynamic stability) performed at Invitae indicates that this missense variant is not expected to disrupt MSH6 protein function with a negative predictive value of 95%. In summary, the available evidence is currently insufficient to determine the role of this variant in disease. Therefore, it has been classified as a Variant of Uncertain Significance.

NM_000179.3(MSH6):c.199C>T (p.Pro67Ser)

Gene: MSH6 (mutS homolog 6; plus strand). Cytogenetic location: 2p16.3.
Variant type: single nucleotide variant.
Coding change: c.199C>T on transcript NM_000179.3 (MANE Select); coding-DNA position 199, C replaced by T.
Protein change: p.Pro67Ser; replaces proline 67 with serine.
Molecular consequence: missense variant. On other transcripts: 5 prime UTR variant (1).
Genome position (GRCh38, 1-based): chr2:47,783,432, C>T. VCF-style: chr2-47783432-C-T. GRCh37 (hg19) VCF-style: chr2-48010571-C-T.
Other names: c.199C>T, p.Pro67Ser (NM_001281492.2); c.-538C>T (NM_001281493.2); short protein forms P67S.
Identifiers: ClinVar variation 579385 (VCV000579385.11), dbSNP rs878853712, ClinGen allele CA346735037.